The following is an entry in ClinVar:

NM_080916.3(DGUOK):c.199G>A (p.Val67Ile)

Gene: DGUOK (deoxyguanosine kinase; plus strand). Cytogenetic location: 2p13.1.
Variant type: single nucleotide variant.
Coding change: c.199G>A on transcript NM_080916.3 (MANE Select); coding-DNA position 199, G replaced by A.
Protein change: p.Val67Ile; replaces valine 67 with isoleucine.
Molecular consequence: missense variant. On other transcripts: intron variant (4).
Genome position (GRCh38, 1-based): chr2:73,938,966, G>A. VCF-style: chr2-73938966-G-A. GRCh37 (hg19) VCF-style: chr2-74166093-G-A.
Other names: c.199G>A, p.Val67Ile (NM_001318859.2, NM_080918.3); c.-37+6283G>A (NM_001318861.2, NM_001318862.2); c.-36-7753G>A (NM_001318860.2, NM_001318863.2); c.199G>A (NM_080916.2); short protein forms V67I.
Identifiers: ClinVar variation 1319234 (VCV001319234.14), dbSNP rs62641679, ClinGen allele CA1718196.

ClinVar aggregate classification (germline): Conflicting classifications of pathogenicity. Review status: criteria provided, conflicting classifications (1 of 4 stars). 4 submissions from 4 submitters: Uncertain significance (2); Likely benign (1). 1 of the submissions does not count toward it. Last evaluated 2026-01-22.

Conditions:
DGUOK-related disorder. Also called: DGUOK-related condition.

Allele frequency attached by ClinVar (database versions not stated): gnomAD exomes 0.00013; ExAC 0.00015; gnomAD 0.00028 and 0.00029; TOPMed 0.00034; ESP Exome Variant Server 0.00038; 1000 Genomes Project 0.00060; 1000 Genomes Project 30x 0.00078.
gnomAD v4.1: 110 of 1,614,072 alleles (0.0068%); highest among the groups gnomAD compares: African/African-American, 0.13%; no homozygotes.

Submissions (4):

Labcorp Genetics (formerly Invitae), Labcorp
Classification: Likely benign. Last evaluated: 2026-01-22. Review status: criteria provided, single submitter. Criteria: Invitae Variant Classification Sherloc (09022015). Collection method: clinical testing. Allele origin: germline.

GeneDx
Classification: Uncertain significance. Last evaluated: 2025-02-19. Review status: criteria provided, single submitter. Criteria: GeneDx Variant Classification Process June 2021. Collection method: clinical testing. Allele origin: germline.
Comment: In silico analysis indicates that this missense variant does not alter protein structure/function; Has not been previously published as pathogenic or benign to our knowledge

Institute for Clinical Genetics, University Hospital TU Dresden, University Hospital TU Dresden
Classification: Uncertain significance. Last evaluated: 2021-11-03. Review status: criteria provided, single submitter. Criteria: ACMG Guidelines, 2015. Collection method: clinical testing. Allele origin: germline.

PreventionGenetics, part of Exact Sciences
Classification: Likely benign for DGUOK-related condition. Last evaluated: 2022-03-28. Review status: no assertion criteria provided. Collection method: clinical testing. Allele origin: germline. Not counted in ClinVar's aggregate classification.
Comment: This variant is classified as likely benign based on ACMG/AMP sequence variant interpretation guidelines (Richards et al. 2015 PMID: 25741868, with internal and published modifications).